The following is an entry in ClinVar:

ClinVar aggregate classification (germline): Uncertain significance. Review status: criteria provided, multiple submitters, no conflicts (2 of 4 stars). 2 submissions from 2 submitters: Uncertain significance (2). Last evaluated 2026-02-01.

Conditions:
Inborn genetic diseases. Identifiers: MedGen C0950123, MeSH D030342.

Allele frequency attached by ClinVar (database versions not stated): gnomAD exomes 0.00010; gnomAD 0.00009; TOPMed 0.00009; ExAC 0.00013.
gnomAD v4.1: 163 of 1,613,824 alleles (0.01%); highest among the groups gnomAD compares: Middle Eastern, 0.31%; 1 homozygote.

Submissions (2):

Labcorp Genetics (formerly Invitae), Labcorp
Classification: Uncertain significance. Last evaluated: 2026-02-01. Review status: criteria provided, single submitter. Criteria: Invitae Variant Classification Sherloc (09022015). Collection method: clinical testing. Allele origin: germline.
Comment: This sequence change replaces aspartic acid, which is acidic and polar, with alanine, which is neutral and non-polar, at codon 831 of the ALPK1 protein (p.Asp831Ala). This variant is present in population databases (rs781140845, gnomAD 0.05%), and has an allele count higher than expected for a pathogenic variant. This variant has not been reported in the literature in individuals affected with ALPK1-related conditions. ClinVar contains an entry for this variant (Variation ID: 2755817). An algorithm developed to predict the effect of missense changes on protein structure and function (PolyPhen-2) suggests that this variant is likely to be tolerated. In summary, the available evidence is currently insufficient to determine the role of this variant in disease. Therefore, it has been classified as a Variant of Uncertain Significance.

Ambry Genetics
Classification: Uncertain significance for Inborn genetic diseases. Last evaluated: 2024-01-04. Review status: criteria provided, single submitter. Criteria: Ambry Variant Classification Scheme 2023. Collection method: clinical testing. Allele origin: germline.

NM_025144.4(ALPK1):c.2492A>C (p.Asp831Ala)

Gene: ALPK1 (alpha kinase 1; plus strand). Cytogenetic location: 4q25.
Variant type: single nucleotide variant.
Coding change: c.2492A>C on transcript NM_025144.4 (MANE Select); coding-DNA position 2492, A replaced by C.
Protein change: p.Asp831Ala; replaces aspartic acid 831 with alanine.
Molecular consequence: missense variant.
Genome position (GRCh38, 1-based): chr4:112,432,039, A>C. VCF-style: chr4-112432039-A-C. GRCh37 (hg19) VCF-style: chr4-113353195-A-C.
Other names: c.2492A>C, p.Asp831Ala (NM_001102406.2); c.2258A>C, p.Asp753Ala (NM_001253884.2); c.2492A>C (NM_025144.3); short protein forms D753A, D831A.
Identifiers: ClinVar variation 2755817 (VCV002755817.4), dbSNP rs781140845, ClinGen allele CA3046924.